The following is an entry in ClinVar:

NM_022437.3(ABCG8):c.1370C>G (p.Ala457Gly)

Gene: ABCG8 (ATP binding cassette subfamily G member 8; plus strand). Cytogenetic location: 2p21.
Variant type: single nucleotide variant.
Coding change: c.1370C>G on transcript NM_022437.3 (MANE Select); coding-DNA position 1370, C replaced by G.
Protein change: p.Ala457Gly; replaces alanine 457 with glycine.
Molecular consequence: missense variant.
Genome position (GRCh38, 1-based): chr2:43,873,945, C>G. VCF-style: chr2-43873945-C-G. GRCh37 (hg19) VCF-style: chr2-44101084-C-G.
Other names: c.1370C>G (NM_022437.2); c.1367C>G, p.Ala456Gly (NM_001357321.2); short protein forms A457G, A456G.
Identifiers: ClinVar variation 3704974 (VCV003704974.3).

ClinVar aggregate classification (germline): Uncertain significance. Review status: criteria provided, multiple submitters, no conflicts (2 of 4 stars). 2 submissions from 2 submitters: Uncertain significance (2). Last evaluated 2025-04-02.

Conditions:
ABCG8-related disorder. Also called: ABCG8-related condition.

gnomAD v4.1: 1 of 1,614,164 alleles (0.000062%); highest among the groups gnomAD compares: Non-Finnish European, 0.000085%; no homozygotes.

Submissions (2):

PreventionGenetics, part of Exact Sciences
Classification: Uncertain significance for ABCG8-related condition. Last evaluated: 2025-04-02. Review status: criteria provided, single submitter. Criteria: ACMG Guidelines, 2015. Collection method: clinical testing. Allele origin: germline.
Comment: The ABCG8 c.1370C>G variant is predicted to result in the amino acid substitution p.Ala457Gly. To our knowledge, this variant has not been reported in the literature. This variant is reported in 0.00088% of alleles in individuals of European (Non-Finnish) descent in gnomAD. At this time, the clinical significance of this variant is uncertain due to the absence of conclusive functional and genetic evidence.

Labcorp Genetics (formerly Invitae), Labcorp
Classification: Uncertain significance. Last evaluated: 2025-02-09. Review status: criteria provided, single submitter. Criteria: Invitae Variant Classification Sherloc (09022015). Collection method: clinical testing. Allele origin: germline.
Comment: This sequence change replaces alanine, which is neutral and non-polar, with glycine, which is neutral and non-polar, at codon 457 of the ABCG8 protein (p.Ala457Gly). This variant is not present in population databases (gnomAD no frequency). This variant has not been reported in the literature in individuals affected with ABCG8-related conditions. Invitae Evidence Modeling of protein sequence and biophysical properties (such as structural, functional, and spatial information, amino acid conservation, physicochemical variation, residue mobility, and thermodynamic stability) indicates that this missense variant is not expected to disrupt ABCG8 protein function with a negative predictive value of 80%. In summary, the available evidence is currently insufficient to determine the role of this variant in disease. Therefore, it has been classified as a Variant of Uncertain Significance.